The following is an entry in ClinVar:

NM_000180.4(GUCY2D):c.98T>A (p.Leu33Gln)

Gene: GUCY2D (guanylate cyclase 2D, retinal; plus strand). Cytogenetic location: 17p13.1.
Variant type: single nucleotide variant.
Coding change: c.98T>A on transcript NM_000180.4 (MANE Select); coding-DNA position 98, T replaced by A.
Protein change: p.Leu33Gln; replaces leucine 33 with glutamine.
Molecular consequence: missense variant.
Genome position (GRCh38, 1-based): chr17:8,003,145, T>A. VCF-style: chr17-8003145-T-A. GRCh37 (hg19) VCF-style: chr17-7906463-T-A.
Other names: c.98T>A (NM_000180.3); short protein forms L33Q.
Identifiers: ClinVar variation 1026656 (VCV001026656.7), dbSNP rs755150485, ClinGen allele CA8365469.

ClinVar aggregate classification (germline): Uncertain significance. Review status: criteria provided, multiple submitters, no conflicts (2 of 4 stars). 2 submissions from 2 submitters: Uncertain significance (2). Last evaluated 2024-02-24.

Conditions:
Inborn genetic diseases. Identifiers: MedGen C0950123, MeSH D030342.
Cone-rod dystrophy 6 (CORD6). Also called: RETINAL CONE DYSTROPHY 2; Cone dystrophy progressive. Identifiers: Orphanet 1872, MedGen C1866293, MONDO:0011143, OMIM 601777.
Leber congenital amaurosis 1 (LCA1). Also called: RETINAL BLINDNESS, CONGENITAL; Congenital absence of the rods and cones; Leber's congenital tapetoretinal degeneration; Leber's congenital tapetoretinal dysplasia; AMAUROSIS CONGENITA OF LEBER I. Identifiers: Orphanet 65, MedGen C2931258, MONDO:0008764, OMIM 204000.

Allele frequency attached by ClinVar (database versions not stated): ExAC below 0.00001; gnomAD exomes 0.00001; gnomAD 0.00003 and 0.00004; TOPMed 0.00004.
gnomAD v4.1: 32 of 1,506,616 alleles (0.0021%); highest among the groups gnomAD compares: Non-Finnish European, 0.0025%; no homozygotes.

Submissions (2):

Labcorp Genetics (formerly Invitae), Labcorp
Classification: Uncertain significance for Leber congenital amaurosis 1; Cone-rod dystrophy 6. Last evaluated: 2024-02-24. Review status: criteria provided, single submitter. Criteria: Invitae Variant Classification Sherloc (09022015). Collection method: clinical testing. Allele origin: germline.
Comment: This sequence change replaces leucine, which is neutral and non-polar, with glutamine, which is neutral and polar, at codon 33 of the GUCY2D protein (p.Leu33Gln). This variant is present in population databases (rs755150485, gnomAD 0.004%). This variant has not been reported in the literature in individuals affected with GUCY2D-related conditions. ClinVar contains an entry for this variant (Variation ID: 1026656). Advanced modeling of protein sequence and biophysical properties (such as structural, functional, and spatial information, amino acid conservation, physicochemical variation, residue mobility, and thermodynamic stability) performed at Invitae indicates that this missense variant is not expected to disrupt GUCY2D protein function with a negative predictive value of 80%. In summary, the available evidence is currently insufficient to determine the role of this variant in disease. Therefore, it has been classified as a Variant of Uncertain Significance.

Ambry Genetics
Classification: Uncertain significance for Inborn genetic diseases. Last evaluated: 2021-10-06. Review status: criteria provided, single submitter. Criteria: Ambry Variant Classification Scheme 2023. Collection method: clinical testing. Allele origin: germline.